The following is an entry in ClinVar:

NM_001194998.2(CEP152):c.1613C>G (p.Ser538Ter)

Gene: CEP152 (centrosomal protein 152; minus strand). Cytogenetic location: 15q21.1.
Variant type: single nucleotide variant.
Coding change: c.1613C>G on transcript NM_001194998.2 (MANE Select); coding-DNA position 1613, C replaced by G.
Protein change: p.Ser538Ter; replaces serine 538 with a stop codon.
Molecular consequence: nonsense.
Genome position (GRCh38, 1-based): chr15:48,772,656, G>C on the plus strand (C>G on the coding strand, the complement: CEP152 is on the minus strand). VCF-style: chr15-48772656-G-C. GRCh37 (hg19) VCF-style: chr15-49064853-G-C.
Other names: c.1613C>G, p.Ser538Ter (NM_014985.4); short protein forms S538*.
Identifiers: ClinVar variation 3021593 (VCV003021593.4), dbSNP rs776054057, ClinGen allele CA7548787.
Genomic context (GRCh38, chr15:48,772,656, plus strand): 5'-GAGTTGCTACCCAGCAAACGCTGTACTTCTGCCTTTAACTTCAGAATGAACTCATCTTTT[G>C]AAAGCTCTTCATTTGGGTCTTCTTCTTGTACAATGCTAATGGAGAAATTGTGATTTTTAA-3'

ClinVar aggregate classification (germline): Pathogenic/Likely pathogenic. Review status: criteria provided, multiple submitters, no conflicts (2 of 4 stars). 2 submissions from 2 submitters: Pathogenic (1); Likely pathogenic (1). Last evaluated 2024-05-14.

Conditions:
Microcephaly 9, primary, autosomal recessive. Identifiers: Orphanet 2512, MedGen C3553886, MONDO:0013923, OMIM 614852.
Seckel syndrome 5 (SCKL5). Identifiers: Orphanet 808, MedGen C3151187, MONDO:0013443, OMIM 613823.

Allele frequency attached by ClinVar (database versions not stated): gnomAD exomes below 0.00001; ExAC 0.00001; TOPMed 0.00002; gnomAD 0.00003.
gnomAD v4.1: 6 of 1,613,920 alleles (0.00037%); highest among the groups gnomAD compares: African/African-American, 0.008%; no homozygotes.

Submissions (2):

Fulgent Genetics
Classification: Likely pathogenic for Seckel syndrome 5; Microcephaly 9, primary, autosomal recessive. Last evaluated: 2024-05-14. Review status: criteria provided, single submitter. Criteria: ACMG Guidelines, 2015. Collection method: clinical testing. Allele origin: germline.

Labcorp Genetics (formerly Invitae), Labcorp
Classification: Pathogenic. Last evaluated: 2023-02-22. Review status: criteria provided, single submitter. Criteria: Invitae Variant Classification Sherloc (09022015). Collection method: clinical testing. Allele origin: germline.
Comment: For these reasons, this variant has been classified as Pathogenic. This variant has not been reported in the literature in individuals affected with CEP152-related conditions. This variant is present in population databases (rs776054057, gnomAD 0.03%). This sequence change creates a premature translational stop signal (p.Ser538*) in the CEP152 gene. It is expected to result in an absent or disrupted protein product. Loss-of-function variants in CEP152 are known to be pathogenic (PMID: 21131973).

Literature cited by the submitters: PubMed 21131973 (cited by Labcorp Genetics (formerly Invitae), Labcorp).